The following is an entry in ClinVar:

NM_004991.4(MECOM):c.1309G>A (p.Gly437Arg)

Gene: MECOM (MDS1 and EVI1 complex locus; minus strand). Cytogenetic location: 3q26.2.
Variant type: single nucleotide variant.
Coding change: c.1309G>A on transcript NM_004991.4 (MANE Select); coding-DNA position 1309, G replaced by A.
Protein change: p.Gly437Arg; replaces glycine 437 with arginine.
Molecular consequence: missense variant. On other transcripts: intron variant (2).
Genome position (GRCh38, 1-based): chr3:169,116,563, C>T on the plus strand (G>A on the coding strand, the complement: MECOM is on the minus strand). VCF-style: chr3-169116563-C-T. GRCh37 (hg19) VCF-style: chr3-168834351-C-T.
Other names: c.940G>A, p.Gly314Arg (NM_001105077.4); c.745G>A, p.Gly249Arg (NM_001105078.4, NM_001164000.2, NM_001205194.2 and 4 more transcripts); c.748G>A, p.Gly250Arg (NM_001163999.2, NM_001366467.2, NM_001366468.2 and 1 more transcripts); c.1309G>A, p.Gly437Arg (NM_001366466.2); c.1133-796G>A (NM_001366473.2); c.569-796G>A (NM_001366474.2); short protein forms G314R, G250R, G437R, G249R.
Identifiers: ClinVar variation 4105916 (VCV004105916.2).

ClinVar aggregate classification (germline): Uncertain significance. Review status: criteria provided, multiple submitters, no conflicts (2 of 4 stars). 2 submissions from 2 submitters: Uncertain significance (2). Last evaluated 2025-09-07.

Conditions:
Inborn genetic diseases. Identifiers: MedGen C0950123, MeSH D030342.

Submissions (2):

Ambry Genetics
Classification: Uncertain significance for Inborn genetic diseases. Last evaluated: 2025-09-07. Review status: criteria provided, single submitter. Criteria: Ambry Variant Classification Scheme 2023. Collection method: clinical testing. Allele origin: germline.
Comment: The p.G437R variant (also known as c.1309G>A), located in coding exon 8 of the MECOM gene, results from a G to A substitution at nucleotide position 1309. The glycine at codon 437 is replaced by arginine, an amino acid with dissimilar properties. This amino acid position is conserved. In addition, the in silico prediction for this alteration is inconclusive. Based on the available evidence, the clinical significance of this variant remains unclear.

Labcorp Genetics (formerly Invitae), Labcorp
Classification: Uncertain significance. Last evaluated: 2025-03-25. Review status: criteria provided, single submitter. Criteria: Invitae Variant Classification Sherloc (09022015). Collection method: clinical testing. Allele origin: germline.
Comment: This sequence change replaces glycine, which is neutral and non-polar, with arginine, which is basic and polar, at codon 249 of the MECOM protein (p.Gly249Arg). This variant is not present in population databases (gnomAD no frequency). This variant has not been reported in the literature in individuals affected with MECOM-related conditions. An algorithm developed to predict the effect of missense changes on protein structure and function (PolyPhen-2) suggests that this variant is likely to be disruptive. In summary, the available evidence is currently insufficient to determine the role of this variant in disease. Therefore, it has been classified as a Variant of Uncertain Significance.